The following is an entry in ClinVar:

NM_001267550.2(TTN):c.55302G>A (p.Gln18434=)

Genes: TTN (titin; minus strand), TTN-AS1 (TTN antisense RNA 1; plus strand). Cytogenetic location: 2q31.2.
Variant type: single nucleotide variant.
Coding change: c.55302G>A on transcript NM_001267550.2 (MANE Select); coding-DNA position 55302, G replaced by A.
Protein change: p.Gln18434=; no amino-acid change (glutamine 18434 retained).
Molecular consequence: synonymous variant.
Genome position (GRCh38, 1-based): chr2:178,601,882, C>T on the plus strand (G>A on the coding strand, the complement: TTN is on the minus strand). VCF-style: chr2-178601882-C-T. GRCh37 (hg19) VCF-style: chr2-179466609-C-T.
Other names: c.50379G>A, p.Gln16793= (NM_001256850.1); c.28107G>A, p.Gln9369= (NM_003319.4); c.47598G>A, p.Gln15866= (NM_133378.4); c.28482G>A, p.Gln9494= (NM_133432.3); c.28683G>A, p.Gln9561= (NM_133437.4).
Identifiers: ClinVar variation 1284783 (VCV001284783.26), dbSNP rs567251026, ClinGen allele CA60978196.

ClinVar aggregate classification (germline): Uncertain significance. Review status: criteria provided, multiple submitters, no conflicts (2 of 4 stars). 6 submissions from 6 submitters: Uncertain significance (2). 4 of the submissions do not count toward it. Last evaluated 2024-11-01.

Conditions:
Autosomal recessive limb-girdle muscular dystrophy type 2J (LGMDR10). Also called: Limb-girdle muscular dystrophy, type 2J; MUSCULAR DYSTROPHY, LIMB-GIRDLE, AUTOSOMAL RECESSIVE 10. Identifiers: Orphanet 140922, MedGen C1837342, MONDO:0012127, OMIM 608807.
Dilated cardiomyopathy 1G (CMD1G). Identifiers: Orphanet 154, MedGen C1858763, MONDO:0011400, OMIM 604145.

Allele frequency attached by ClinVar (database versions not stated): gnomAD 0.00001; gnomAD exomes 0.00001.
gnomAD v4.1: 12 of 1,609,868 alleles (0.00075%); highest among the groups gnomAD compares: Non-Finnish European, 0.001%; no homozygotes.

Submissions (6):

CeGaT Center for Human Genetics Tuebingen
Classification: Uncertain significance. Last evaluated: 2024-11-01. Review status: criteria provided, single submitter. Criteria: CeGaT Center For Human Genetics Tuebingen Variant Classification Criteria Version 2. Collection method: clinical testing. Allele origin: germline. Affected: yes. Observed: 1 variant allele.
Comment: TTN: PM2, PP3

Labcorp Genetics (formerly Invitae), Labcorp
Classification: Uncertain significance for Dilated cardiomyopathy 1G; Autosomal recessive limb-girdle muscular dystrophy type 2J. Last evaluated: 2024-01-10. Review status: criteria provided, single submitter. Criteria: Invitae Variant Classification Sherloc (09022015). Collection method: clinical testing. Allele origin: germline.
Comment: This sequence change affects codon 18434 of the TTN mRNA. It is a 'silent' change, meaning that it does not change the encoded amino acid sequence of the TTN protein. This variant also falls at the last nucleotide of exon 285, which is part of the consensus splice site for this exon. This variant is not present in population databases (gnomAD no frequency). This variant has not been reported in the literature in individuals affected with TTN-related conditions. ClinVar contains an entry for this variant (Variation ID: 1284783). Experimental studies and prediction algorithms are not available or were not evaluated, and the functional significance of this variant is currently unknown. Variants that disrupt the consensus splice site are a relatively common cause of aberrant splicing (PMID: 17576681, 9536098). Algorithms developed to predict the effect of sequence changes on RNA splicing suggest that this variant may disrupt the consensus splice site. This variant is located in the A band of TTN (PMID: 25589632). Variants in this region may be relevant for cardiac or neuromuscular disorders (PMID: 25589632, 23975875). In summary, the available evidence is currently insufficient to determine the role of this variant in disease. Therefore, it has been classified as a Variant of Uncertain Significance.

Clinical Genetics, Academic Medical Center
Classification: Uncertain significance. Review status: no assertion criteria provided. Collection method: clinical testing. Allele origin: germline. Affected: yes. Study: VKGL Data-share Consensus. Not counted in ClinVar's aggregate classification.

Diagnostic Laboratory, Department of Genetics, University Medical Center Groningen
Classification: Uncertain significance. Review status: no assertion criteria provided. Collection method: clinical testing. Allele origin: germline. Affected: yes. Study: VKGL Data-share Consensus. Not counted in ClinVar's aggregate classification.

Genome Diagnostics Laboratory, University Medical Center Utrecht
Classification: Uncertain significance. Review status: no assertion criteria provided. Collection method: clinical testing. Allele origin: germline. Affected: yes. Study: VKGL Data-share Consensus. Not counted in ClinVar's aggregate classification.

Joint Genome Diagnostic Labs from Nijmegen and Maastricht, Radboudumc and MUMC+
Classification: Uncertain significance. Review status: no assertion criteria provided. Collection method: clinical testing. Allele origin: germline. Affected: yes. Study: VKGL Data-share Consensus. Not counted in ClinVar's aggregate classification.

Literature cited by the submitters: PubMed 17576681 (cited by Labcorp Genetics (formerly Invitae), Labcorp); PubMed 9536098 (cited by Labcorp Genetics (formerly Invitae), Labcorp); PubMed 25589632 (cited by Labcorp Genetics (formerly Invitae), Labcorp); PubMed 23975875 (cited by Labcorp Genetics (formerly Invitae), Labcorp).